The following is an entry in ClinVar:

ClinVar aggregate classification (germline): Uncertain significance (1 of 4 stars; one submission).

Conditions:
Epileptic encephalopathy. Identifiers: MedGen C0543888, HP:0200134.

gnomAD v4.1: 18 of 1,612,546 alleles (0.0011%); highest among the groups gnomAD compares: Non-Finnish European, 0.0014%; no homozygotes.

Submission:

Labcorp Genetics (formerly Invitae), Labcorp
Classification: Uncertain significance for Epileptic encephalopathy. Last evaluated: 2021-02-19. Review status: criteria provided, single submitter. Criteria: Invitae Variant Classification Sherloc (09022015). Collection method: clinical testing. Allele origin: germline.
Comment: This sequence change replaces aspartic acid with histidine at codon 2077 of the FASN protein (p.Asp2077His). The aspartic acid residue is moderately conserved and there is a moderate physicochemical difference between aspartic acid and histidine. In summary, the available evidence is currently insufficient to determine the role of this variant in disease. Therefore, it has been classified as a Variant of Uncertain Significance. Algorithms developed to predict the effect of missense changes on protein structure and function are either unavailable or do not agree on the potential impact of this missense change (SIFT: "Deleterious"; PolyPhen-2: "Possibly Damaging"; Align-GVGD: "Class C0"). This variant has not been reported in the literature in individuals with FASN-related conditions. This variant is not present in population databases (ExAC no frequency).

NM_004104.5(FASN):c.6229G>C (p.Asp2077His)

Gene: FASN (fatty acid synthase; minus strand). Cytogenetic location: 17q25.3.
Variant type: single nucleotide variant.
Coding change: c.6229G>C on transcript NM_004104.5 (MANE Select); coding-DNA position 6229, G replaced by C.
Protein change: p.Asp2077His; replaces aspartic acid 2077 with histidine.
Molecular consequence: missense variant.
Genome position (GRCh38, 1-based): chr17:82,081,778, C>G on the plus strand (G>C on the coding strand, the complement: FASN is on the minus strand). VCF-style: chr17-82081778-C-G. GRCh37 (hg19) VCF-style: chr17-80039654-C-G.
Other names: short protein forms D2077H.
Identifiers: ClinVar variation 1472807 (VCV001472807.8), dbSNP rs141935205, ClinGen allele CA401601371.